The following is an entry in ClinVar:

NM_152296.5(ATP1A3):c.1781G>C (p.Gly594Ala)

Gene: ATP1A3 (ATPase Na+/K+ transporting subunit alpha 3; minus strand). Cytogenetic location: 19q13.2.
Variant type: single nucleotide variant.
Coding change: c.1781G>C on transcript NM_152296.5 (MANE Select); coding-DNA position 1781, G replaced by C.
Protein change: p.Gly594Ala; replaces glycine 594 with alanine.
Molecular consequence: missense variant.
Genome position (GRCh38, 1-based): chr19:41,978,176, C>G on the plus strand (G>C on the coding strand, the complement: ATP1A3 is on the minus strand). VCF-style: chr19-41978176-C-G. GRCh37 (hg19) VCF-style: chr19-42482328-C-G.
Other names: c.1814G>C, p.Gly605Ala (NM_001256213.2); c.1820G>C, p.Gly607Ala (NM_001256214.2); short protein forms G594A, G605A, G607A.
Identifiers: ClinVar variation 1304114 (VCV001304114.2), dbSNP rs2145964820, ClinGen allele CA406045481.

ClinVar aggregate classification (germline): Uncertain significance (1 of 4 stars; one submission).

Submission:

GeneDx
Classification: Uncertain significance. Last evaluated: 2020-11-03. Review status: criteria provided, single submitter. Criteria: GeneDx Variant Classification Process June 2021. Collection method: clinical testing. Allele origin: germline. Affected: yes.
Comment: Not observed in large population cohorts (Lek et al., 2016); In silico analysis supports that this missense variant does not alter protein structure/function; Has not been previously published as pathogenic or benign to our knowledge